The following is an entry in ClinVar:

ClinVar aggregate classification (germline): Uncertain significance. Review status: criteria provided, multiple submitters, no conflicts (2 of 4 stars). 2 submissions from 2 submitters: Uncertain significance (2). Last evaluated 2022-09-07.

Conditions:
Hereditary spastic paraplegia. Also called: Familial spastic paraparesis. Identifiers: Orphanet 685, MedGen C0037773, MONDO:0019064. Disease mechanism: loss of function.

Allele frequency attached by ClinVar (database versions not stated): TOPMed below 0.00001; gnomAD 0.00001; ExAC 0.00002; gnomAD exomes 0.00002.
gnomAD v4.1: 23 of 1,614,086 alleles (0.0014%); highest among the groups gnomAD compares: Non-Finnish European, 0.00076%; no homozygotes.

Submissions (2):

GeneDx
Classification: Uncertain significance. Last evaluated: 2022-09-07. Review status: criteria provided, single submitter. Criteria: GeneDx Variant Classification Process June 2021. Collection method: clinical testing. Allele origin: germline. Affected: yes.
Comment: In silico analysis supports that this missense variant has a deleterious effect on protein structure/function; Has not been previously published as pathogenic or benign to our knowledge

Genome Diagnostics Laboratory, The Hospital for Sick Children
Classification: Uncertain significance for Hereditary spastic paraplegia. Last evaluated: 2021-04-08. Review status: criteria provided, single submitter. Criteria: ACMG Guidelines, 2015. Collection method: clinical testing. Allele origin: germline. Affected: yes.

NM_152269.5(MTRFR):c.212G>C (p.Gly71Ala)

Gene: MTRFR (mitochondrial translation release factor in rescue; plus strand). Cytogenetic location: 12q24.31.
Variant type: single nucleotide variant.
Coding change: c.212G>C on transcript NM_152269.5 (MANE Select); coding-DNA position 212, G replaced by C.
Protein change: p.Gly71Ala; replaces glycine 71 with alanine.
Molecular consequence: missense variant.
Genome position (GRCh38, 1-based): chr12:123,253,886, G>C. VCF-style: chr12-123253886-G-C. GRCh37 (hg19) VCF-style: chr12-123738433-G-C.
Other names: c.212G>C, p.Gly71Ala (NM_001143905.2, NM_001194995.1); short protein forms G71A.
Identifiers: ClinVar variation 1344256 (VCV001344256.4), dbSNP rs774090934, ClinGen allele CA6856539.
Genomic context (GRCh38, chr12:123,253,886, plus strand): 5'-CACTGCTTTCCTTGGATGAGAATGAACTCGAAGAGCAGTTTGTGAAAGGACACGGTCCAG[G>C]GGGCCAGGCAACCAACAAAACCAGCAACTGCGTGGTGCTGAAGCACATCCCCTCAGGCAT-3'
Protein context (NP_689482.1, residues 61-81): EEQFVKGHGP[Gly71Ala]GQATNKTSNC